The following is an entry in ClinVar:

ClinVar aggregate classification (germline): Uncertain significance (1 of 4 stars; one submission).

Conditions:
Holoprosencephaly 3 (HPE3). Identifiers: Orphanet 2162, MedGen C1840529, MONDO:0007733, OMIM 142945.

Submission:

Labcorp Genetics (formerly Invitae), Labcorp
Classification: Uncertain significance for Holoprosencephaly 3. Last evaluated: 2023-04-10. Review status: criteria provided, single submitter. Criteria: Invitae Variant Classification Sherloc (09022015). Collection method: clinical testing. Allele origin: germline.
Comment: In summary, the available evidence is currently insufficient to determine the role of this variant in disease. Therefore, it has been classified as a Variant of Uncertain Significance. Experimental studies and prediction algorithms are not available or were not evaluated, and the functional significance of this variant is currently unknown. This variant has not been reported in the literature in individuals affected with SHH-related conditions. This variant is not present in population databases (gnomAD no frequency). This sequence change creates a premature translational stop signal (p.Trp445*) in the SHH gene. While this is not anticipated to result in nonsense mediated decay, it is expected to disrupt the last 18 amino acid(s) of the SHH protein.

NM_000193.4(SHH):c.1334G>A (p.Trp445Ter)

Gene: SHH (sonic hedgehog signaling molecule; minus strand). Cytogenetic location: 7q36.3.
Variant type: single nucleotide variant.
Coding change: c.1334G>A on transcript NM_000193.4 (MANE Select); coding-DNA position 1334, G replaced by A.
Protein change: p.Trp445Ter; replaces tryptophan 445 with a stop codon.
Molecular consequence: nonsense. On other transcripts: intron variant (1).
Genome position (GRCh38, 1-based): chr7:155,802,955, C>T on the plus strand (G>A on the coding strand, the complement: SHH is on the minus strand). VCF-style: chr7-155802955-C-T. GRCh37 (hg19) VCF-style: chr7-155595649-C-T.
Other names: c.302-2710G>A (NM_001310462.2); short protein forms W445*.
Identifiers: ClinVar variation 2854749 (VCV002854749.3), dbSNP rs2535891204, ClinGen allele CA370143920.
Genomic context (GRCh38, chr7:155,802,955, plus strand): 5'-CGGCTTCAGCTGGACTTGACCGCCATGCCCAGCGGGTGCAGGGCCTCGCTGTCCAGGAGC[C>T]AGGTGCCTATTTGGTAGAGCAGCTGCGAGTACCAGTGGATGCCCGCGGTGGCCCCCGCAC-3'